The following is an entry in ClinVar:

NM_006648.4(WNK2):c.796A>C (p.Lys266Gln)

Gene: WNK2 (WNK lysine deficient protein kinase 2; plus strand). Cytogenetic location: 9q22.31.
Variant type: single nucleotide variant.
Coding change: c.796A>C on transcript NM_006648.4 (MANE Select); coding-DNA position 796, A replaced by C.
Protein change: p.Lys266Gln; replaces lysine 266 with glutamine.
Molecular consequence: missense variant.
Genome position (GRCh38, 1-based): chr9:93,229,810, A>C. VCF-style: chr9-93229810-A-C. GRCh37 (hg19) VCF-style: chr9-95992092-A-C.
Other names: c.796A>C, p.Lys266Gln (NM_001282394.3); short protein forms K266Q.
Identifiers: ClinVar variation 5031888 (VCV005031888.1).

ClinVar aggregate classification (germline): Uncertain significance (1 of 4 stars; one submission).

gnomAD v4.1: 1 of 1,613,856 alleles (0.000062%); highest among the groups gnomAD compares: Non-Finnish European, 0.000085%; no homozygotes.

Submission:

Ambry Genetics
Classification: Uncertain significance. Last evaluated: 2026-07-28. Review status: criteria provided, single submitter. Criteria: Ambry Variant Classification Scheme 2023. Collection method: clinical testing. Allele origin: germline.
Comment: The p.K266Q variant (also known as c.796A>C), located in coding exon 2 of the WNK2 gene, results from an A to C substitution at nucleotide position 796. The lysine at codon 266 is replaced by glutamine, an amino acid with similar properties. This amino acid position is conserved. In addition, this alteration is predicted to be tolerated by in silico analysis. Based on the available evidence, the clinical significance of this variant remains unclear.